The following is an entry in ClinVar:

NM_052813.5(CARD9):c.184+126C>T

Gene: CARD9 (caspase recruitment domain family member 9; minus strand). Cytogenetic location: 9q34.3.
Variant type: single nucleotide variant.
Coding change: c.184+126C>T on transcript NM_052813.5 (MANE Select); 126 bases into the intron after coding-DNA position 184, C replaced by T.
Molecular consequence: intron variant.
Genome position (GRCh38, 1-based): chr9:136,371,769, G>A on the plus strand (C>T on the coding strand, the complement: CARD9 is on the minus strand). VCF-style: chr9-136371769-G-A. GRCh37 (hg19) VCF-style: chr9-139266221-G-A.
Other names: c.184+126C>T (NM_052814.4).
Identifiers: ClinVar variation 2688387 (VCV002688387.2), dbSNP rs4075078, ClinGen allele CA16376523.

ClinVar aggregate classification (germline): Benign (1 of 4 stars; one submission).

Allele frequency attached by ClinVar (database versions not stated): 1000 Genomes Project 0.16474; 1000 Genomes Project 30x 0.16943.

Submission:

Unidad de Genómica Garrahan, Hospital de Pediatría Garrahan
Classification: Benign. Last evaluated: 2024-01-24. Review status: criteria provided, single submitter. Criteria: ACMG Guidelines, 2015. Collection method: clinical testing. Allele origin: germline. Affected: no. Observed: 55 variant alleles.
Comment: This variant is classified as Benign based on local population frequency. This variant was detected in 63% of patients studied by a panel of primary immunodeficiencies. Number of patients: 55. Only high quality variants are reported.